The following is an entry in ClinVar:

NM_004360.5(CDH1):c.164-3C>T

Gene: CDH1 (cadherin 1; plus strand). Cytogenetic location: 16q22.1.
Variant type: single nucleotide variant.
Coding change: c.164-3C>T on transcript NM_004360.5 (MANE Select); 3 bases into the intron before coding-DNA position 164, C replaced by T.
Molecular consequence: intron variant.
Genome position (GRCh38, 1-based): chr16:68,801,667, C>T. VCF-style: chr16-68801667-C-T. GRCh37 (hg19) VCF-style: chr16-68835570-C-T.
Other names: c.-1452-3C>T (NM_001317185.2); c.-1656-3C>T (NM_001317186.2); c.164-3C>T (NM_001317184.2).
Identifiers: ClinVar variation 1172444 (VCV001172444.9), dbSNP rs2152126584, ClinGen allele CA2499223638.

ClinVar aggregate classification (germline): Uncertain significance. Review status: criteria provided, multiple submitters, no conflicts (2 of 4 stars). 3 submissions from 3 submitters: Uncertain significance (3). Last evaluated 2026-01-08.

Conditions:
Hereditary diffuse gastric adenocarcinoma (HDGC). Also called: DIFFUSE GASTRIC AND LOBULAR BREAST CANCER SYNDROME. Identifiers: Orphanet 26106, MedGen C1708349, MONDO:0007648, OMIM 137215.
Hereditary cancer-predisposing syndrome. Also called: Hereditary neoplastic syndrome; Neoplastic Syndromes, Hereditary; Hereditary Cancer Syndrome; Tumor predisposition. Identifiers: Orphanet 140162, MedGen C0027672, MeSH D009386, MONDO:0015356.

gnomAD v4.1: 1 of 1,610,096 alleles (0.000062%); highest among the groups gnomAD compares: African/African-American, 0.0013%; no homozygotes.

Submissions (3):

Labcorp Genetics (formerly Invitae), Labcorp
Classification: Uncertain significance for Hereditary diffuse gastric adenocarcinoma. Last evaluated: 2026-01-08. Review status: criteria provided, single submitter. Criteria: Invitae Variant Classification Sherloc (09022015). Collection method: clinical testing. Allele origin: germline.
Comment: This sequence change falls in intron 2 of the CDH1 gene. It does not directly change the encoded amino acid sequence of the CDH1 protein. It affects a nucleotide within the consensus splice site. This variant is not present in population databases (gnomAD no frequency). This variant has not been reported in the literature in individuals affected with CDH1-related conditions. ClinVar contains an entry for this variant (Variation ID: 1172444). Variants that disrupt the consensus splice site are a relatively common cause of aberrant splicing (PMID: 17576681, 9536098). Algorithms developed to predict the effect of sequence changes on RNA splicing suggest that this variant is not likely to affect RNA splicing. In summary, the available evidence is currently insufficient to determine the role of this variant in disease. Therefore, it has been classified as a Variant of Uncertain Significance.

Ambry Genetics
Classification: Uncertain significance for Hereditary cancer-predisposing syndrome. Last evaluated: 2025-09-08. Review status: criteria provided, single submitter. Criteria: Ambry Variant Classification Scheme 2023. Collection method: clinical testing. Allele origin: germline.
Comment: The c.164-3C>T intronic variant results from a C to T substitution 3 nucleotides upstream from coding exon 3 in the CDH1 gene. This nucleotide position is well conserved in available vertebrate species. In silico splice site analysis predicts that this alteration will not have any significant effect on splicing; however, direct evidence is insufficient at this time (Ambry internal data). Since supporting evidence is limited at this time, the clinical significance of this alteration remains unclear.

Color Diagnostics, LLC DBA Color Health
Classification: Uncertain significance for Hereditary cancer-predisposing syndrome. Last evaluated: 2020-08-03. Review status: criteria provided, single submitter. Criteria: ACMG Guidelines, 2015. Collection method: clinical testing. Allele origin: germline.
Comment: This variant causes a C to T nucleotide substitution at the -3 position of intron 2 of the CDH1 gene. To our knowledge, functional studies have not been reported for this variant. This variant has not been reported in individuals affected with hereditary cancer in the literature. This variant has not been identified in the general population by the Genome Aggregation Database (gnomAD). The available evidence is insufficient to determine the role of this variant in disease conclusively. Therefore, this variant is classified as a Variant of Uncertain Significance.

Literature cited by the submitters: PubMed 17576681 (cited by Labcorp Genetics (formerly Invitae), Labcorp); PubMed 9536098 (cited by Labcorp Genetics (formerly Invitae), Labcorp).